The following is an entry in ClinVar:

NM_013275.6(ANKRD11):c.2607dup (p.Ser870fs)

Gene: ANKRD11 (ankyrin repeat domain 11; minus strand). Cytogenetic location: 16q24.3.
Variant type: Duplication.
Coding change: c.2607dup on transcript NM_013275.6 (MANE Select); coding-DNA position 2607, one base duplicated (G; older notation c.2607dupG).
Protein change: p.Ser870fs; shifts the reading frame from serine 870.
Molecular consequence: frameshift variant.
Genome position (GRCh38, 1-based): chr16:89,283,935, C duplicated on the plus strand (G on the coding strand, the reverse complement: ANKRD11 is on the minus strand). VCF-style (leftmost placement, unchanged base first): chr16-89283934-T-TC. GRCh37 (hg19) VCF-style: chr16-89350342-T-TC.
Other names: c.2607dup, p.Ser870fs (NM_001256182.2, NM_001256183.2); short protein forms S870fs.
Identifiers: ClinVar variation 2018141 (VCV002018141.4), dbSNP rs2547738187, ClinGen allele CA2580092301.

ClinVar aggregate classification (germline): Pathogenic (1 of 4 stars; one submission).

Conditions:
KBG syndrome (KBGS). Also called: ANKRD11-Related KBG Syndrome. Identifiers: Orphanet 2332, MedGen C0220687, MONDO:0007846, OMIM 148050.

Submission:

Labcorp Genetics (formerly Invitae), Labcorp
Classification: Pathogenic for KBG syndrome. Last evaluated: 2022-07-26. Review status: criteria provided, single submitter. Criteria: Invitae Variant Classification Sherloc (09022015). Collection method: clinical testing. Allele origin: germline.
Comment: For these reasons, this variant has been classified as Pathogenic. This variant has not been reported in the literature in individuals affected with ANKRD11-related conditions. This variant is not present in population databases (gnomAD no frequency). This sequence change creates a premature translational stop signal (p.Ser870Glufs*46) in the ANKRD11 gene. It is expected to result in an absent or disrupted protein product. Loss-of-function variants in ANKRD11 are known to be pathogenic (PMID: 21782149, 25125236, 25413698, 25652421).

Literature cited by the submitters: PubMed 21782149; PubMed 25125236; PubMed 25413698; PubMed 25652421.